The following is an entry in ClinVar:

ClinVar aggregate classification (germline): Benign. Review status: criteria provided, multiple submitters, no conflicts (2 of 4 stars). 2 submissions from 2 submitters: Benign (2). Last evaluated 2017-04-27.

Conditions:
Troyer syndrome (SPG20). Identifiers: Orphanet 101000, MedGen C0393559, MONDO:0010156, OMIM 275900.

Allele frequency attached by ClinVar (database versions not stated): TOPMed 0.98818; gnomAD 0.98868 and 0.98943; 1000 Genomes Project 0.98902; 1000 Genomes Project 30x 0.98923; gnomAD exomes 0.99875.
gnomAD v4.1: 151,486 of 153,076 alleles (99%); highest among the groups gnomAD compares: East Asian, 100%; 74,968 homozygotes.

Submissions (2):

Illumina Laboratory Services, Illumina
Classification: Benign for Troyer syndrome. Last evaluated: 2017-04-27. Review status: criteria provided, single submitter. Criteria: ICSL Variant Classification Criteria 13 December 2019. Collection method: clinical testing. Allele origin: germline.
Comment: This variant was observed as part of a predisposition screen in an ostensibly healthy population. A literature search was performed for the gene, cDNA change, and amino acid change (where applicable). No publications were found based on this search. Allele frequency data from public databases was too high to be consistent with this variant causing disease. Therefore, this variant is classified as benign.

Breakthrough Genomics
Classification: Benign. Review status: criteria provided, single submitter. Criteria: ACMG Guidelines, 2015. Collection method: not provided. Allele origin: germline. Inheritance: Autosomal recessive inheritance. Affected: yes.

NM_015087.5(SPART):c.*624A>G

Gene: SPART (spartin; minus strand). Cytogenetic location: 13q13.3.
Variant type: single nucleotide variant.
Coding change: c.*624A>G on transcript NM_015087.5 (MANE Select); 624 bases downstream of the stop codon, A replaced by G.
Molecular consequence: 3 prime UTR variant.
Genome position (GRCh38, 1-based): chr13:36,303,741, T>C on the plus strand (A>G on the coding strand, the complement: SPART is on the minus strand). VCF-style: chr13-36303741-T-C. GRCh37 (hg19) VCF-style: chr13-36877878-T-C.
Other names: c.*624A>G (NM_001142294.2, NM_001142295.2, NM_001142296.2).
Identifiers: ClinVar variation 311757 (VCV000311757.6), dbSNP rs2148049, ClinGen allele CA10644208.